The following is an entry in ClinVar:

NM_004960.4(FUS):c.1473T>C (p.Arg491=)

Gene: FUS (FUS RNA binding protein; plus strand). Cytogenetic location: 16p11.2.
Variant type: single nucleotide variant.
Coding change: c.1473T>C on transcript NM_004960.4 (MANE Select); coding-DNA position 1473, T replaced by C.
Protein change: p.Arg491=; no amino-acid change (arginine 491 retained).
Molecular consequence: synonymous variant. On other transcripts: non-coding transcript variant (1).
Genome position (GRCh38, 1-based): chr16:31,191,042, T>C. VCF-style: chr16-31191042-T-C. GRCh37 (hg19) VCF-style: chr16-31202363-T-C.
Other names: c.1470T>C, p.Arg490= (NM_001170634.1); c.1461T>C, p.Arg487= (NM_001170937.1).
Identifiers: ClinVar variation 4987497 (VCV004987497.1).

ClinVar aggregate classification (germline): Likely benign (1 of 4 stars; one submission).

Conditions:
FUS-related disorder. Also called: FUS-related condition.

gnomAD v4.1: 4 of 1,613,018 alleles (0.00025%); highest among the groups gnomAD compares: African/African-American, 0.0054%; no homozygotes.

Submission:

PreventionGenetics, part of Exact Sciences
Classification: Likely benign for FUS-related condition. Last evaluated: 2026-01-14. Review status: criteria provided, single submitter. Criteria: ACMG Guidelines, 2015. Collection method: clinical testing. Allele origin: germline.
Comment: This variant is classified as likely benign based on ACMG/AMP sequence variant interpretation guidelines (Richards et al. 2015 PMID: 25741868, with internal and published modifications).